The following is an entry in ClinVar:

NM_001367868.2(PLIN4):c.1767A>G (p.Thr589=)

Gene: PLIN4 (perilipin 4; minus strand). Cytogenetic location: 19p13.3.
Variant type: single nucleotide variant.
Coding change: c.1767A>G on transcript NM_001367868.2 (MANE Select); coding-DNA position 1767, A replaced by G.
Protein change: p.Thr589=; no amino-acid change (threonine 589 retained).
Molecular consequence: synonymous variant.
Genome position (GRCh38, 1-based): chr19:4,512,193, T>C on the plus strand (A>G on the coding strand, the complement: PLIN4 is on the minus strand). VCF-style: chr19-4512193-T-C. GRCh37 (hg19) VCF-style: chr19-4512205-T-C.
Other names: c.1770A>G, p.Thr590= (NM_001393888.1, NM_001393889.1); c.1767A>G, p.Thr589= (NM_001393890.1, NM_001393891.1).
Identifiers: ClinVar variation 4084120 (VCV004084120.8).

ClinVar aggregate classification (germline): Likely benign (1 of 4 stars; one submission).

Submission:

CeGaT Center for Human Genetics Tuebingen
Classification: Likely benign. Last evaluated: 2025-06-01. Review status: criteria provided, single submitter. Criteria: CeGaT Center For Human Genetics Tuebingen Variant Classification Criteria Version 2. Collection method: clinical testing. Allele origin: germline. Affected: yes. Observed: 1 variant allele.
Comment: PLIN4: BP4, BP7